The following is an entry in ClinVar:

ClinVar aggregate classification (germline): Likely benign. Review status: criteria provided, multiple submitters, no conflicts (2 of 4 stars). 2 submissions from 2 submitters: Likely benign (2). Last evaluated 2017-11-13.

Allele frequency attached by ClinVar (database versions not stated): gnomAD exomes below 0.00001.
gnomAD v4.1: 2 of 1,610,488 alleles (0.00012%); highest among the groups gnomAD compares: Non-Finnish European, 0.000085%; no homozygotes.

Submissions (2):

Labcorp Genetics (formerly Invitae), Labcorp
Classification: Likely benign. Last evaluated: 2017-11-13. Review status: criteria provided, single submitter. Criteria: Invitae Variant Classification Sherloc (09022015). Collection method: clinical testing. Allele origin: germline.

GeneDx
Classification: Likely benign. Last evaluated: 2016-10-11. Review status: criteria provided, single submitter. Criteria: GeneDx Variant Classification (06012015). Collection method: clinical testing. Allele origin: germline. Affected: yes.
Comment: This variant is considered likely benign or benign based on one or more of the following criteria: it is a conservative change, it occurs at a poorly conserved position in the protein, it is predicted to be benign by multiple in silico algorithms, and/or has population frequency not consistent with disease.

NM_006907.4(PYCR1):c.30G>A (p.Gln10=)

Gene: PYCR1 (pyrroline-5-carboxylate reductase 1; minus strand). Cytogenetic location: 17q25.3.
Variant type: single nucleotide variant.
Coding change: c.30G>A on transcript NM_006907.4 (MANE Select); coding-DNA position 30, G replaced by A.
Protein change: p.Gln10=; no amino-acid change (glutamine 10 retained).
Molecular consequence: synonymous variant.
Genome position (GRCh38, 1-based): chr17:81,936,785, C>T on the plus strand (G>A on the coding strand, the complement: PYCR1 is on the minus strand). VCF-style: chr17-81936785-C-T. GRCh37 (hg19) VCF-style: chr17-79894661-C-T.
Other names: c.30G>A, p.Gln10= (NM_001282279.2, NM_001282280.2, NM_001330523.2 and 1 more transcripts); c.111G>A, p.Gln37= (NM_001282281.2).
Identifiers: ClinVar variation 389899 (VCV000389899.4), dbSNP rs1057523574, ClinGen allele CA16607935.